The following is an entry in ClinVar:

ClinVar aggregate classification (germline): Uncertain significance (1 of 4 stars; one submission).

Submission:

Labcorp Genetics (formerly Invitae), Labcorp
Classification: Uncertain significance. Last evaluated: 2025-08-04. Review status: criteria provided, single submitter. Criteria: Invitae Variant Classification Sherloc (09022015). Collection method: clinical testing. Allele origin: germline.
Comment: This sequence change replaces isoleucine, which is neutral and non-polar, with phenylalanine, which is neutral and non-polar, at codon 273 of the JAM3 protein (p.Ile273Phe). This variant is not present in population databases (gnomAD no frequency). This variant has not been reported in the literature in individuals affected with JAM3-related conditions. ClinVar contains an entry for this variant (Variation ID: 2121422). Invitae Evidence Modeling of protein sequence and biophysical properties (such as structural, functional, and spatial information, amino acid conservation, physicochemical variation, residue mobility, and thermodynamic stability) indicates that this missense variant is not expected to disrupt JAM3 protein function with a negative predictive value of 80%. In summary, the available evidence is currently insufficient to determine the role of this variant in disease. Therefore, it has been classified as a Variant of Uncertain Significance.

NM_032801.5(JAM3):c.817A>T (p.Ile273Phe)

Gene: JAM3 (junctional adhesion molecule 3; plus strand). Cytogenetic location: 11q25.
Variant type: single nucleotide variant.
Coding change: c.817A>T on transcript NM_032801.5 (MANE Select); coding-DNA position 817, A replaced by T.
Protein change: p.Ile273Phe; replaces isoleucine 273 with phenylalanine.
Molecular consequence: missense variant.
Genome position (GRCh38, 1-based): chr11:134,148,651, A>T. VCF-style: chr11-134148651-A-T. GRCh37 (hg19) VCF-style: chr11-134018546-A-T.
Other names: c.664A>T, p.Ile222Phe (NM_001205329.2); short protein forms I222F, I273F.
Identifiers: ClinVar variation 2121422 (VCV002121422.4), dbSNP rs1038157586, ClinGen allele CA383504377.